The following is an entry in ClinVar:

NM_001365999.1(SZT2):c.630+4T>G

Gene: SZT2 (SZT2 subunit of KICSTOR complex; plus strand). Cytogenetic location: 1p34.2.
Variant type: single nucleotide variant.
Coding change: c.630+4T>G on transcript NM_001365999.1 (MANE Select); 4 bases into the intron after coding-DNA position 630, T replaced by G.
Molecular consequence: intron variant.
Genome position (GRCh38, 1-based): chr1:43,415,217, T>G. VCF-style: chr1-43415217-T-G. GRCh37 (hg19) VCF-style: chr1-43880888-T-G.
Other names: c.630+4T>G (NM_015284.4).
Identifiers: ClinVar variation 1056406 (VCV001056406.7), dbSNP rs1461116323, ClinGen allele CA1165608664.

ClinVar aggregate classification (germline): Uncertain significance (1 of 4 stars; one submission).

gnomAD v4.1: 9 of 1,597,300 alleles (0.00056%); highest among the groups gnomAD compares: Non-Finnish European, 0.00076%; no homozygotes.

Submission:

Labcorp Genetics (formerly Invitae), Labcorp
Classification: Uncertain significance. Last evaluated: 2022-07-26. Review status: criteria provided, single submitter. Criteria: Invitae Variant Classification Sherloc (09022015). Collection method: clinical testing. Allele origin: germline.
Comment: In summary, the available evidence is currently insufficient to determine the role of this variant in disease. Therefore, it has been classified as a Variant of Uncertain Significance. Variants that disrupt the consensus splice site are a relatively common cause of aberrant splicing (PMID: 17576681, 9536098). Algorithms developed to predict the effect of sequence changes on RNA splicing suggest that this variant is not likely to affect RNA splicing. ClinVar contains an entry for this variant (Variation ID: 1056406). This variant has not been reported in the literature in individuals affected with SZT2-related conditions. This variant is not present in population databases (gnomAD no frequency). This sequence change falls in intron 5 of the SZT2 gene. It does not directly change the encoded amino acid sequence of the SZT2 protein. It affects a nucleotide within the consensus splice site.

Literature cited by the submitters: PubMed 17576681; PubMed 9536098.